The following is an entry in ClinVar:

ClinVar aggregate classification (germline): Uncertain significance (1 of 4 stars; one submission).

Conditions:
Long QT syndrome (LQTS). Identifiers: MedGen C0023976, MeSH D008133, MONDO:0002442. Disease mechanism: loss of function. Inheritance: Various modes of inheritance.

Submission:

Labcorp Genetics (formerly Invitae), Labcorp
Classification: Uncertain significance for Long QT syndrome. Last evaluated: 2018-03-31. Review status: criteria provided, single submitter. Criteria: Invitae Variant Classification Sherloc (09022015). Collection method: clinical testing. Allele origin: germline.
Comment: Experimental studies and prediction algorithms are not available for this variant, and the functional significance of the duplicated amino acid(s) is currently unknown. This variant results in a copy number gain of the genomic region encompassing exons 3-6 of the KCNQ1 gene. While the exact position of this variant cannot be determined from this data, sub-genic copy number gains are generally in tandem (PMID: 25640679). This variant would be expected to be in-frame, preserving the integrity of the reading frame. A similar copy number gain of exons 3-6 has been reported in an individual affected with long QT syndrome (PMID:¬†25174857). In summary, the available evidence is currently insufficient to determine the role of this variant in disease. Therefore, it has been classified as a Variant of Uncertain Significance.

Literature cited by the submitters: PubMed 25640679.

NC_000011.9:g.(?_2591838)_(2594236_?)dup

Gene: KCNQ1 (potassium voltage-gated channel subfamily Q member 1; plus strand). Cytogenetic location: 11p15.5.
Variant type: Duplication.
Identifiers: ClinVar variation 584163 (VCV000584163.9).